The following is an entry in ClinVar:

NM_022489.4(INF2):c.1906A>C (p.Lys636Gln)

Gene: INF2 (inverted formin 2; plus strand). Cytogenetic location: 14q32.33.
Variant type: single nucleotide variant.
Coding change: c.1906A>C on transcript NM_022489.4 (MANE Select); coding-DNA position 1906, A replaced by C.
Protein change: p.Lys636Gln; replaces lysine 636 with glutamine.
Molecular consequence: missense variant.
Genome position (GRCh38, 1-based): chr14:104,708,689, A>C. VCF-style: chr14-104708689-A-C. GRCh37 (hg19) VCF-style: chr14-105175026-A-C.
Other names: c.1906A>C, p.Lys636Gln (NM_001031714.4); short protein forms K636Q.
Identifiers: ClinVar variation 1348236 (VCV001348236.8), dbSNP rs1889898227, ClinGen allele CA391219030.

ClinVar aggregate classification (germline): Uncertain significance (1 of 4 stars; one submission).

Conditions:
Charcot-Marie-Tooth disease dominant intermediate E. Also called: CHARCOT-MARIE-TOOTH NEUROPATHY WITH FOCAL SEGMENTAL GLOMERULONEPHRITIS. Identifiers: Orphanet 93114, MedGen C4302667, MONDO:0013758, OMIM 614455.
Focal segmental glomerulosclerosis 5 (FSGS5). Identifiers: Orphanet 656, MedGen C2750475, MONDO:0013191, OMIM 613237.

Allele frequency attached by ClinVar (database versions not stated): TOPMed below 0.00001.

Submission:

Labcorp Genetics (formerly Invitae), Labcorp
Classification: Uncertain significance for Charcot-Marie-Tooth disease dominant intermediate E; Focal segmental glomerulosclerosis 5. Last evaluated: 2022-09-07. Review status: criteria provided, single submitter. Criteria: Invitae Variant Classification Sherloc (09022015). Collection method: clinical testing. Allele origin: germline.
Comment: This sequence change replaces lysine, which is basic and polar, with glutamine, which is neutral and polar, at codon 636 of the INF2 protein (p.Lys636Gln). This variant is not present in population databases (gnomAD no frequency). This variant has not been reported in the literature in individuals affected with INF2-related conditions. ClinVar contains an entry for this variant (Variation ID: 1348236). Algorithms developed to predict the effect of missense changes on protein structure and function are either unavailable or do not agree on the potential impact of this missense change (SIFT: "Deleterious"; PolyPhen-2: "Not Available"; Align-GVGD: "Class C0"). In summary, the available evidence is currently insufficient to determine the role of this variant in disease. Therefore, it has been classified as a Variant of Uncertain Significance.